The following is an entry in ClinVar:

NM_007255.3(B4GALT7):c.614T>C (p.Leu205Pro)

Gene: B4GALT7 (beta-1,4-galactosyltransferase 7; plus strand). Cytogenetic location: 5q35.3.
Variant type: single nucleotide variant.
Coding change: c.614T>C on transcript NM_007255.3 (MANE Select); coding-DNA position 614, T replaced by C.
Protein change: p.Leu205Pro; replaces leucine 205 with proline.
Molecular consequence: missense variant.
Genome position (GRCh38, 1-based): chr5:177,607,502, T>C. VCF-style: chr5-177607502-T-C. GRCh37 (hg19) VCF-style: chr5-177034503-T-C.
Other names: short protein forms L205P.
Identifiers: ClinVar variation 1481262 (VCV001481262.10), dbSNP rs771458628, ClinGen allele CA3586546.
Genomic context (GRCh38, chr5:177,607,502, plus strand): 5'-TGGCCTCCCCGGAGCTCCACCCTCTCTACCACTACAAGACCTATGTCGGCGGCATCCTGC[T>C]GCTCTCCAAGCAGCACTACCGGCTGGTGAGGCCCGGACAGCCTGCTCTGCTCAGAGCCGG-3'
Protein context (NP_009186.1, residues 195-215): HYKTYVGGIL[Leu205Pro]LSKQHYRLCN

ClinVar aggregate classification (germline): Uncertain significance. Review status: criteria provided, multiple submitters, no conflicts (2 of 4 stars). 3 submissions from 3 submitters: Uncertain significance (3). Last evaluated 2026-02-27.

Conditions:
Spondylodysplastic Ehlers-Danlos syndrome. Identifiers: Orphanet 536471, Orphanet 75496, MedGen C5680154, MONDO:0007526.
Fetal anomalies with a likely genetic cause.

Allele frequency attached by ClinVar (database versions not stated): TOPMed below 0.00001; gnomAD exomes 0.00002 and below 0.00001; ExAC 0.00002; gnomAD 0.00001.
gnomAD v4.1: 6 of 1,612,814 alleles (0.00037%); highest among the groups gnomAD compares: East Asian, 0.0089%; no homozygotes.

Submissions (3):

Genetics Laboratory, Great Ormond Street Hospital NHS Foundation Trust, North Thames Genomic Laboratory Hub
Classification: Uncertain significance for Fetal anomalies with a likely genetic cause. Last evaluated: 2026-02-27. Review status: criteria provided, single submitter. Criteria: ACGS Best Practice Guidelines for Variant Classification in Rare Disease 2024 v1.2. Collection method: clinical testing. Allele origin: germline. Affected: yes.
Comment: PM2_moderate, PP3_supporting, PM3_supporting

Blueprint Genetics
Classification: Uncertain significance. Last evaluated: 2024-04-15. Review status: criteria provided, single submitter. Criteria: ACMG Guidelines, 2015. Collection method: clinical testing. Allele origin: germline.

Labcorp Genetics (formerly Invitae), Labcorp
Classification: Uncertain significance for Spondylodysplastic Ehlers-Danlos syndrome. Last evaluated: 2021-07-18. Review status: criteria provided, single submitter. Criteria: Invitae Variant Classification Sherloc (09022015). Collection method: clinical testing. Allele origin: germline.
Comment: In summary, the available evidence is currently insufficient to determine the role of this variant in disease. Therefore, it has been classified as a Variant of Uncertain Significance. Algorithms developed to predict the effect of missense changes on protein structure and function are either unavailable or do not agree on the potential impact of this missense change (SIFT: "Deleterious"; PolyPhen-2: "Probably Damaging"; Align-GVGD: "Class C0"). This variant has been observed in individuals with clinical features of Ehlers-Danlos syndrome (PMID: 30914273, 32429945). This variant is present in population databases (rs771458628, ExAC 0.01%). This sequence change replaces leucine with proline at codon 205 of the B4GALT7 protein (p.Leu205Pro). The leucine residue is moderately conserved and there is a moderate physicochemical difference between leucine and proline.

Literature cited by the submitters: PubMed 30914273 (cited by Labcorp Genetics (formerly Invitae), Labcorp); PubMed 32429945 (cited by Labcorp Genetics (formerly Invitae), Labcorp).